The following is an entry in ClinVar:

ClinVar aggregate classification (germline): Conflicting classifications of pathogenicity. Review status: criteria provided, conflicting classifications (1 of 4 stars). 8 submissions from 8 submitters: Uncertain significance (6); Likely benign (1). 1 of the submissions does not count toward it. Last evaluated 2026-09-01.

Conditions:
Inborn genetic diseases. Identifiers: MedGen C0950123, MeSH D030342.
Nemaline myopathy 2 (NEM2). Also called: Nemaline myopathy 2, autosomal recessive. Identifiers: MedGen C1850569, MONDO:0009725, OMIM 256030.

Allele frequency attached by ClinVar (database versions not stated): gnomAD 0.00007 and 0.00009; TOPMed 0.00007; gnomAD exomes 0.00010; ExAC 0.00011; ESP Exome Variant Server 0.00017; 1000 Genomes Project 30x 0.00031; 1000 Genomes Project 0.00040.
gnomAD v4.1: 143 of 1,611,572 alleles (0.0089%); highest among the groups gnomAD compares: South Asian, 0.033%; no homozygotes.

Submissions (8):

CeGaT Center for Human Genetics Tuebingen
Classification: Uncertain significance. Last evaluated: 2026-09-01. Review status: criteria provided, single submitter. Criteria: CeGaT Center For Human Genetics Tuebingen Variant Classification Criteria Version 2. Collection method: clinical testing. Allele origin: germline. Affected: yes. Observed: 6 variant alleles.

Labcorp Genetics (formerly Invitae), Labcorp
Classification: Likely benign for Nemaline myopathy 2. Last evaluated: 2026-01-12. Review status: criteria provided, single submitter. Criteria: Invitae Variant Classification Sherloc (09022015). Collection method: clinical testing. Allele origin: germline.

Ambry Genetics
Classification: Uncertain significance for Inborn genetic diseases. Last evaluated: 2025-09-10. Review status: criteria provided, single submitter. Criteria: Ambry Variant Classification Scheme 2023. Collection method: clinical testing. Allele origin: germline.

GeneDx
Classification: Uncertain significance. Last evaluated: 2025-02-20. Review status: criteria provided, single submitter. Criteria: GeneDx Variant Classification Process June 2021. Collection method: clinical testing. Allele origin: germline. Affected: yes.
Comment: Identified in individual with endometriosis; however, further research is needed to explore a possible link between variants in the NEB gene and this phenotype (PMID: 37626618); In silico analysis supports that this missense variant has a deleterious effect on protein structure/function; This variant is associated with the following publications: (PMID: 37626618, 38515714, 35885997)

Revvity Omics, Revvity
Classification: Uncertain significance. Last evaluated: 2024-06-25. Review status: criteria provided, single submitter. Criteria: ACMG Guidelines, 2015. Collection method: clinical testing. Allele origin: germline.

Illumina Laboratory Services, Illumina
Classification: Uncertain significance for Nemaline myopathy 2. Last evaluated: 2018-01-13. Review status: criteria provided, single submitter. Criteria: ICSL Variant Classification Criteria 13 December 2019. Collection method: clinical testing. Allele origin: germline.

Eurofins Ntd Llc (ga)
Classification: Uncertain significance. Last evaluated: 2014-10-30. Review status: criteria provided, single submitter. Criteria: EGL Classification Definitions 2015. Collection method: clinical testing. Allele origin: germline. Observed: 1 variant allele, 1 heterozygote.

Natera, Inc.
Classification: Uncertain significance for Nemaline myopathy type 2. Last evaluated: 2020-03-11. Review status: no assertion criteria provided. Collection method: clinical testing. Allele origin: germline. Not counted in ClinVar's aggregate classification.

NM_001164508.2(NEB):c.16817A>G (p.Tyr5606Cys)

Gene: NEB (nebulin; minus strand). Cytogenetic location: 2q23.3.
Variant type: single nucleotide variant.
Coding change: c.16817A>G on transcript NM_001164508.2 (MANE Select); coding-DNA position 16817, A replaced by G.
Protein change: p.Tyr5606Cys; replaces tyrosine 5606 with cysteine.
Molecular consequence: missense variant.
Genome position (GRCh38, 1-based): chr2:151,576,242, T>C on the plus strand (A>G on the coding strand, the complement: NEB is on the minus strand). VCF-style: chr2-151576242-T-C. GRCh37 (hg19) VCF-style: chr2-152432756-T-C.
Other names: c.16817A>G, p.Tyr5606Cys (NM_001164507.2, NM_001271208.2); c.11714A>G, p.Tyr3905Cys (NM_004543.5); short protein forms Y5606C, Y3905C.
Identifiers: ClinVar variation 198679 (VCV000198679.67), dbSNP rs372049328, ClinGen allele CA247480.